The following is an entry in ClinVar:

ClinVar aggregate classification (germline): Uncertain significance. Review status: criteria provided, multiple submitters, no conflicts (2 of 4 stars). 2 submissions from 2 submitters: Uncertain significance (2). Last evaluated 2026-06-01.

Allele frequency attached by ClinVar (database versions not stated): gnomAD exomes 0.00006; ExAC 0.00018; gnomAD 0.00052; TOPMed 0.00068; ESP Exome Variant Server 0.00070; 1000 Genomes Project 30x 0.00078; 1000 Genomes Project 0.00080.
gnomAD v4.1: 167 of 1,568,002 alleles (0.011%); highest among the groups gnomAD compares: African/African-American, 0.19%; no homozygotes.

Submissions (2):

Greenwood Genetic Center Diagnostic Laboratories, Greenwood Genetic Center
Classification: Uncertain significance. Last evaluated: 2026-06-01. Review status: criteria provided, single submitter. Criteria: ACMG Guidelines, 2015. Collection method: clinical testing. Allele origin: germline.
Comment: PM3_Supporting, BP4, PP2

Ambry Genetics
Classification: Uncertain significance. Last evaluated: 2022-03-29. Review status: criteria provided, single submitter. Criteria: Ambry Variant Classification Scheme 2023. Collection method: clinical testing. Allele origin: germline.

NM_001407.3(CELSR3):c.6793G>A (p.Gly2265Ser)

Gene: CELSR3 (cadherin EGF LAG seven-pass G-type receptor 3; minus strand). Cytogenetic location: 3p21.31.
Variant type: single nucleotide variant.
Coding change: c.6793G>A on transcript NM_001407.3 (MANE Select); coding-DNA position 6793, G replaced by A.
Protein change: p.Gly2265Ser; replaces glycine 2265 with serine.
Molecular consequence: missense variant.
Genome position (GRCh38, 1-based): chr3:48,648,446, C>T on the plus strand (G>A on the coding strand, the complement: CELSR3 is on the minus strand). VCF-style: chr3-48648446-C-T. GRCh37 (hg19) VCF-style: chr3-48685879-C-T.
Other names: short protein forms G2265S.
Identifiers: ClinVar variation 2213447 (VCV002213447.3), dbSNP rs200373323, ClinGen allele CA2384384.